The following is an entry in ClinVar:

NM_001166108.2(PALLD):c.2561A>G (p.His854Arg)

Genes: CBR4 (carbonyl reductase 4; minus strand), PALLD (palladin, cytoskeletal associated protein; plus strand). Cytogenetic location: 4q32.3.
Variant type: single nucleotide variant.
Coding change: c.2561A>G on transcript NM_001166108.2 (MANE Select); coding-DNA position 2561, A replaced by G.
Protein change: p.His854Arg; replaces histidine 854 with arginine.
Molecular consequence: missense variant.
Genome position (GRCh38, 1-based): chr4:168,903,845, A>G. VCF-style: chr4-168903845-A-G. GRCh37 (hg19) VCF-style: chr4-169824996-A-G.
Other names: c.1364A>G, p.His455Arg (NM_001166109.2); c.1049A>G, p.His350Arg (NM_001166110.2); c.389A>G, p.His130Arg (NM_001367567.1, NM_001367569.1); c.440A>G, p.His147Arg (NM_001367568.1, NM_001367570.1); c.2510A>G, p.His837Arg (NM_016081.4); short protein forms H130R, H837R, H147R, H350R, H455R, H854R.
Identifiers: ClinVar variation 4564162 (VCV004564162.1).

ClinVar aggregate classification (germline): Uncertain significance (1 of 4 stars; one submission).

gnomAD v4.1: 1 of 1,613,810 alleles (0.000062%); highest among the groups gnomAD compares: Non-Finnish European, 0.000085%; no homozygotes.

Submission:

Ambry Genetics
Classification: Uncertain significance. Last evaluated: 2025-10-14. Review status: criteria provided, single submitter. Criteria: Ambry Variant Classification Scheme 2023. Collection method: clinical testing. Allele origin: germline.
Comment: The p.H350R variant (also known as c.1049A>G), located in coding exon 5 of the PALLD gene, results from an A to G substitution at nucleotide position 1049. The histidine at codon 350 is replaced by arginine, an amino acid with highly similar properties. This amino acid position is conserved. In addition, the in silico prediction for this alteration is inconclusive. Based on the available evidence, the clinical significance of this variant remains unclear.